The following is an entry in ClinVar:

ClinVar aggregate classification (germline): Uncertain significance (1 of 4 stars; one submission).

Conditions:
Maple syrup urine disease (MSUD). Identifiers: Orphanet 511, MedGen C0024776, MeSH D008375, MONDO:0009563. Disease mechanism: loss of function.

Submission:

Centre for Mendelian Genomics, University Medical Centre Ljubljana
Classification: Uncertain significance for Maple syrup urine disease type 1A. Last evaluated: 2019-03-13. Review status: criteria provided, single submitter. Criteria: ACMG Guidelines, 2015. Collection method: clinical testing. Allele origin: unknown. Affected: yes.
Comment: This variant was classified as: Uncertain significance. The available evidence on this variant's pathogenicity is insufficient or conflicting. The following ACMG criteria were applied in classifying this variant: PM2,PP3.

NM_001918.5(DBT):c.391G>A (p.Val131Met)

Gene: DBT (dihydrolipoamide branched chain transacylase E2; minus strand). Cytogenetic location: 1p21.2.
Variant type: single nucleotide variant.
Coding change: c.391G>A on transcript NM_001918.5 (MANE Select); coding-DNA position 391, G replaced by A.
Protein change: p.Val131Met; replaces valine 131 with methionine.
Molecular consequence: missense variant.
Genome position (GRCh38, 1-based): chr1:100,230,775, C>T on the plus strand (G>A on the coding strand, the complement: DBT is on the minus strand). VCF-style: chr1-100230775-C-T. GRCh37 (hg19) VCF-style: chr1-100696331-C-T.
Other names: short protein forms V131M.
Identifiers: ClinVar variation 931508 (VCV000931508.3), dbSNP rs1663510723, ClinGen allele CA341343829.